The following is an entry in ClinVar:

NM_000059.4(BRCA2):c.6966G>T (p.Met2322Ile)

Gene: BRCA2 (BRCA2 DNA repair associated; plus strand). Cytogenetic location: 13q13.1.
Variant type: single nucleotide variant.
Coding change: c.6966G>T on transcript NM_000059.4 (MANE Select); coding-DNA position 6966, G replaced by T.
Protein change: p.Met2322Ile; replaces methionine 2322 with isoleucine.
Molecular consequence: missense variant.
Genome position (GRCh38, 1-based): chr13:32,346,855, G>T. VCF-style: chr13-32346855-G-T. GRCh37 (hg19) VCF-style: chr13-32920992-G-T.
Other names: 7194G>T; short protein forms M2322I.
Identifiers: ClinVar variation 52229 (VCV000052229.25), dbSNP rs80358924, ClinGen allele CA024648.

ClinVar aggregate classification (germline): Uncertain significance. Review status: criteria provided, multiple submitters, no conflicts (2 of 4 stars). 12 submissions from 12 submitters: Uncertain significance (10). 2 of the submissions do not count toward it. Last evaluated 2025-07-25.

Conditions:
Hereditary breast ovarian cancer syndrome. Also called: Hereditary breast and ovarian cancer syndrome; Hereditary breast and ovarian cancer; Hereditary breast and ovarian cancer syndrome (HBOC); Breast and ovarian cancer; Hereditary breast and/or ovarian cancer syndrome; BRCA1- and BRCA2-Associated Hereditary Breast and Ovarian Cancer. Identifiers: Orphanet 145, MedGen C0677776, MeSH D061325, MONDO:0003582. Disease mechanism: loss of function.
Hereditary cancer-predisposing syndrome. Also called: Neoplastic Syndromes, Hereditary; Tumor predisposition; Hereditary neoplastic syndrome; Hereditary Cancer Syndrome. Identifiers: Orphanet 140162, MedGen C0027672, MeSH D009386, MONDO:0015356.
Breast-ovarian cancer, familial, susceptibility to, 2 (BROVCA2). Also called: BRCA2 Hereditary Breast and Ovarian Cancer. Identifiers: Orphanet 145, MedGen C2675520, MONDO:0012933, OMIM 612555. Disease mechanism: loss of function.
Familial cancer of breast. Also called: BREAST CANCER, FAMILIAL; Hereditary breast cancer; hereditary breast carcinoma. Identifiers: Orphanet 227535, MedGen C0346153, MONDO:0016419, OMIM 114480. Disease mechanism: loss of function.

Allele frequency attached by ClinVar (database versions not stated): gnomAD exomes below 0.00001; TOPMed below 0.00001; gnomAD 0.00001.
gnomAD v4.1: 2 of 1,609,816 alleles (0.00012%); highest among the groups gnomAD compares: African/African-American, 0.0027%; no homozygotes.

Submissions (12):

GeneDx
Classification: Uncertain significance. Last evaluated: 2025-07-25. Review status: criteria provided, single submitter. Criteria: GeneDx Variant Classification Process June 2021. Collection method: clinical testing. Allele origin: germline. Affected: yes.
Comment: Observed in individuals with breast cancer (PMID: 24824029, 26898890, 34326862, 38863777); In silico analysis suggests that this missense variant does not alter protein structure/function; Not observed at significant frequency in large population cohorts (gnomAD); Also known as 7194G>T; This variant is associated with the following publications: (PMID: 24824029, 26898890, 34326862, 38863777, 37713444)

Labcorp Genetics (formerly Invitae), Labcorp
Classification: Uncertain significance for Hereditary breast ovarian cancer syndrome. Last evaluated: 2025-07-17. Review status: criteria provided, single submitter. Criteria: Invitae Variant Classification Sherloc (09022015). Collection method: clinical testing. Allele origin: germline.
Comment: This sequence change replaces methionine, which is neutral and non-polar, with isoleucine, which is neutral and non-polar, at codon 2322 of the BRCA2 protein (p.Met2322Ile). The frequency data for this variant in the population databases is considered unreliable, as metrics indicate poor data quality at this position in the gnomAD database. This missense change has been observed in individual(s) with breast and/or ovarian cancer (PMID: 24824029, 26898890, 34326862). ClinVar contains an entry for this variant (Variation ID: 52229). Invitae Evidence Modeling of protein sequence and biophysical properties (such as structural, functional, and spatial information, amino acid conservation, physicochemical variation, residue mobility, and thermodynamic stability) indicates that this missense variant is not expected to disrupt BRCA2 protein function with a negative predictive value of 95%. Experimental studies have shown that this missense change does not substantially affect BRCA2 function (PMID: 37713444). In summary, the available evidence is currently insufficient to determine the role of this variant in disease. Therefore, it has been classified as a Variant of Uncertain Significance.

Ambry Genetics
Classification: Uncertain significance for Hereditary cancer-predisposing syndrome. Last evaluated: 2025-06-13. Review status: criteria provided, single submitter. Criteria: Ambry Variant Classification Scheme 2023. Collection method: clinical testing. Allele origin: germline.
Comment: The p.M2322I variant (also known as c.6966G>T), located in coding exon 12 of the BRCA2 gene, results from a G to T substitution at nucleotide position 6966. The methionine at codon 2322 is replaced by isoleucine, an amino acid with highly similar properties. This variant has been reported in multiple individuals with breast cancer (Cochran RL et al. Hum. Pathol., 2014 Jul;45:1546-50; Caminsky NG et al. Hum. Mutat., 2016 07;37:640-52; Hassan AN et al. Cureus, 2024 Jun;16:e62160). This amino acid position is not well conserved in available vertebrate species. In addition, the in silico prediction for this alteration is inconclusive. Based on the available evidence, the clinical significance of this variant remains unclear.

Color Diagnostics, LLC DBA Color Health
Classification: Uncertain significance for Hereditary cancer-predisposing syndrome. Last evaluated: 2023-12-12. Review status: criteria provided, single submitter. Criteria: ACMG Guidelines, 2015. Collection method: clinical testing. Allele origin: germline.
Comment: This missense variant replaces methionine with isoleucine at codon 2322 of the BRCA2 protein. Computational prediction suggests that this variant may not impact protein structure and function (internally defined REVEL score threshold <= 0.5, PMID: 27666373). To our knowledge, functional studies have not been reported for this variant. This variant has been reported in individuals affected with breast cancer (PMID: 24824029, 26898890). This variant has been identified in 1/250028 chromosomes in the general population by the Genome Aggregation Database (gnomAD). The available evidence is insufficient to determine the role of this variant in disease conclusively. Therefore, this variant is classified as a Variant of Uncertain Significance.

Quest Diagnostics Nichols Institute San Juan Capistrano
Classification: Uncertain significance. Last evaluated: 2023-11-24. Review status: criteria provided, single submitter. Criteria: Quest Diagnostics criteria. Collection method: clinical testing. Allele origin: unknown.
Comment: The BRCA2 c.6966G>T (p.Met2322Ile) variant has been reported in the published literature in individuals with breast and/or ovarian cancer (PMIDs: 34326862 (2021), 26898890 (2016), 24824029 (2014)). One experimental study on mouse cells characterizes the variant as functional with no impact on cell viability or DNA damage sensitivity (PMID: 37713444 (2023)), however, additional studies are needed to confirm the variant's effect on BRCA2 protein function. The frequency of this variant in the general population, 0.000004 (1/250028 chromosomes (Genome Aggregation Database)), is uninformative in the assessment of its pathogenicity. Analysis of this variant using bioinformatics tools for the prediction of the effect of amino acid changes on protein structure and function yielded predictions that this variant is benign. Based on the available information, we are unable to determine the clinical significance of this variant.

Baylor Genetics
Classification: Uncertain significance for Familial cancer of breast. Last evaluated: 2023-06-28. Review status: criteria provided, single submitter. Criteria: ACMG Guidelines, 2015. Collection method: clinical testing. Allele origin: unknown.

All of Us Research Program, National Institutes of Health
Classification: Uncertain significance for Breast-ovarian cancer, familial, susceptibility to, 2. Last evaluated: 2023-06-26. Review status: criteria provided, single submitter. Criteria: ACMG Guidelines, 2015. Collection method: clinical testing. Allele origin: germline. Inheritance: Autosomal dominant inheritance. Observed: 1 variant allele, 1 heterozygote.
Comment: This missense variant replaces methionine with isoleucine at codon 2322 of the BRCA2 protein. Computational prediction suggests that this variant may not impact protein structure and function (internally defined REVEL score threshold <= 0.5, PMID: 27666373). To our knowledge, functional studies have not been reported for this variant. This variant has been reported in individuals affected with breast cancer (PMID: 24824029, 26898890). This variant has been identified in 1/250028 chromosomes in the general population by the Genome Aggregation Database (gnomAD). The available evidence is insufficient to determine the role of this variant in disease conclusively. Therefore, this variant is classified as a Variant of Uncertain Significance.

This study involves interpretation of variants in research participants for the purpose of population health screening. Participant phenotype was not available at the time of variant classification. Additional details can be found in publication PMID: 35346344, PMCID: PMC8962531

Department of Pathology and Laboratory Medicine, Sinai Health System
Classification: Uncertain significance for Familial cancer of breast; Breast-ovarian cancer, familial, susceptibility to, 2. Last evaluated: 2023-03-16. Review status: criteria provided, single submitter. Criteria: ACMG Guidelines, 2015. Collection method: clinical testing. Allele origin: germline. Affected: yes.

Sema4
Classification: Uncertain significance for Hereditary cancer-predisposing syndrome. Last evaluated: 2022-01-21. Review status: criteria provided, single submitter. Criteria: Sema4 Curation Guidelines. Collection method: curation. Allele origin: germline.
Comment: The BRCA2 c.6966G>T (p.M2322I) variant has been reported in at least two individuals with breast cancer (PMID: 26898890, 24824029). It was observed in 1/16208 chromosomes of the African/African American subpopulation in the large and broad cohorts of the Genome Aggregation Database (PMID: 32461654). This variant has been reported in ClinVar (Variation ID 52229). Functional studies have not been performed, and in silico predictions of the variant's effect on protein function are inconclusive. The evidence is insufficient to meet ACMG/AMP criteria for classifying the variant as benign or pathogenic. Thus, the clinical significance of this variant is currently uncertain.

Women's Health and Genetics/Laboratory Corporation of America, LabCorp
Classification: Uncertain significance. Last evaluated: 2021-12-13. Review status: criteria provided, single submitter. Criteria: LabCorp Variant Classification Summary - May 2015. Collection method: clinical testing. Allele origin: germline.
Comment: Variant summary: BRCA2 c.6966G>T (p.Met2322Ile) results in a conservative amino acid change in the encoded protein sequence. Five of five in-silico tools predict a benign effect of the variant on protein function. The variant allele was found at a frequency of 4e-06 in 250028 control chromosomes. c.6966G>T has been reported in the literature in individuals affected with Hereditary Breast And Ovarian Cancer Syndrome (example: Cochran_2014, Caminsky_2016). These data indicate that the variant may be associated with disease. To our knowledge, no experimental evidence demonstrating an impact on protein function has been reported. Four ClinVar submitters have assessed the variant since 2014: all laboratories classified the variant as uncertain significance. Based on the evidence outlined above, the variant was classified as VUS-possibly pathogenic.

Sharing Clinical Reports Project (SCRP)
Classification: Uncertain significance for Breast-ovarian cancer, familial 2. Last evaluated: 2012-02-17. Review status: no assertion criteria provided. Collection method: clinical testing. Allele origin: germline. Not counted in ClinVar's aggregate classification.

Breast Cancer Information Core (BIC) (BRCA2)
Classification: Uncertain significance for Breast-ovarian cancer, familial 2. Review status: no assertion criteria provided. Collection method: clinical testing. Allele origin: germline. Affected: yes. Observed: 1 variant allele. Not counted in ClinVar's aggregate classification.

Literature cited by the submitters: PubMed 24824029 (cited by 8 submitters); PubMed 26898890 (cited by 8 submitters); PubMed 34326862 (cited by Labcorp Genetics (formerly Invitae), Labcorp and Quest Diagnostics Nichols Institute San Juan Capistrano); PubMed 37713444 (cited by Labcorp Genetics (formerly Invitae), Labcorp and Quest Diagnostics Nichols Institute San Juan Capistrano); PubMed 38863777 (cited by Ambry Genetics); PubMed 21523855 (cited by Quest Diagnostics Nichols Institute San Juan Capistrano); PubMed 37914699 (cited by Quest Diagnostics Nichols Institute San Juan Capistrano); PubMed 26295337 (cited by Quest Diagnostics Nichols Institute San Juan Capistrano); PubMed 22585170 (cited by Women's Health and Genetics/Laboratory Corporation of America, LabCorp).